The following is an entry in ClinVar:

NM_004415.4(DSP):c.4377A>G (p.Thr1459=)

Gene: DSP (desmoplakin; plus strand). Cytogenetic location: 6p24.3.
Variant type: single nucleotide variant.
Coding change: c.4377A>G on transcript NM_004415.4 (MANE Select); coding-DNA position 4377, A replaced by G.
Protein change: p.Thr1459=; no amino-acid change (threonine 1459 retained).
Molecular consequence: synonymous variant. On other transcripts: intron variant (2).
Genome position (GRCh38, 1-based): chr6:7,580,567, A>G. VCF-style: chr6-7580567-A-G. GRCh37 (hg19) VCF-style: chr6-7580800-A-G.
Other names: c.4377A>G (LRG_423t1); c.4050+327A>G (NM_001319034.2); c.3582+795A>G (NM_001008844.3).
Identifiers: ClinVar variation 518484 (VCV000518484.18), dbSNP rs771910118, ClinGen allele CA041216.

ClinVar aggregate classification (germline): Likely benign. Review status: criteria provided, multiple submitters, no conflicts (2 of 4 stars). 4 submissions from 4 submitters: Likely benign (4). Last evaluated 2025-07-02.

Conditions:
Arrhythmogenic cardiomyopathy with wooly hair and keratoderma. Also called: PALMOPLANTAR KERATODERMA WITH LEFT VENTRICULAR CARDIOMYOPATHY AND WOOLLY HAIR; Arrhythmogenic cardiomyopathy with woolly hair and keratoderma; Dilated cardiomyopathy with woolly hair and keratoderma; Carvajal syndrome. Identifiers: Orphanet 65282, MedGen C1854063, MONDO:0011581, OMIM 605676.
Arrhythmogenic right ventricular dysplasia 8 (ARVD8). Also called: ARRHYTHMOGENIC RIGHT VENTRICULAR CARDIOMYOPATHY 8; ARRHYTHMOGENIC RIGHT VENTRICULAR DYSPLASIA, FAMILIAL, 8; Arrhythmogenic Right Ventricular Dysplasia/Cardiomyopathy 8. Identifiers: MedGen C1843896, MONDO:0011831, OMIM 607450.
Cardiovascular phenotype. Identifiers: MedGen CN230736.
Cardiomyopathy (CMYO). Also called: Cardiomyopathies. Identifiers: Orphanet 167848, MedGen C0878544, MONDO:0004994, HP:0001638. Inheritance: Various modes of inheritance.

Allele frequency attached by ClinVar (database versions not stated): TOPMed below 0.00001; ExAC 0.00001; gnomAD exomes 0.00001; gnomAD 0.00003.
gnomAD v4.1: 15 of 1,614,090 alleles (0.00093%); highest among the groups gnomAD compares: African/African-American, 0.0027%; no homozygotes.

Submissions (4):

Labcorp Genetics (formerly Invitae), Labcorp
Classification: Likely benign for Arrhythmogenic cardiomyopathy with wooly hair and keratoderma; Arrhythmogenic right ventricular dysplasia 8. Last evaluated: 2025-07-02. Review status: criteria provided, single submitter. Criteria: Invitae Variant Classification Sherloc (09022015). Collection method: clinical testing. Allele origin: germline.

All of Us Research Program, National Institutes of Health
Classification: Likely benign for Arrhythmogenic cardiomyopathy with wooly hair and keratoderma. Last evaluated: 2023-12-13. Review status: criteria provided, single submitter. Criteria: ACMG Guidelines, 2015. Collection method: clinical testing. Allele origin: germline. Inheritance: Autosomal dominant inheritance. Observed: 1 variant allele, 1 heterozygote.
Comment: This study involves interpretation of variants in research participants for the purpose of population health screening. Participant phenotype was not available at the time of variant classification. Additional details can be found in publication PMID: 35346344, PMCID: PMC8962531

Color Diagnostics, LLC DBA Color Health
Classification: Likely benign for Cardiomyopathy. Last evaluated: 2021-01-12. Review status: criteria provided, single submitter. Criteria: ACMG Guidelines, 2015. Collection method: clinical testing. Allele origin: germline.

Ambry Genetics
Classification: Likely benign for Cardiovascular phenotype. Last evaluated: 2017-11-13. Review status: criteria provided, single submitter. Criteria: Ambry Variant Classification Scheme 2023. Collection method: clinical testing. Allele origin: germline.